The following is an entry in ClinVar:

ClinVar aggregate classification (germline): Uncertain significance (1 of 4 stars; one submission).

Conditions:
Hereditary cancer-predisposing syndrome. Also called: Neoplastic Syndromes, Hereditary; Tumor predisposition; Hereditary Cancer Syndrome; Hereditary neoplastic syndrome. Identifiers: Orphanet 140162, MedGen C0027672, MeSH D009386, MONDO:0015356.

Submission:

Ambry Genetics
Classification: Uncertain significance for Hereditary cancer-predisposing syndrome. Last evaluated: 2018-04-19. Review status: criteria provided, single submitter. Criteria: Ambry Variant Classification Scheme 2023. Collection method: clinical testing. Allele origin: germline.
Comment: The p.W628C variant (also known as c.1884G>T), located in coding exon 4 of the MSH6 gene, results from a G to T substitution at nucleotide position 1884. The tryptophan at codon 628 is replaced by cysteine, an amino acid with highly dissimilar properties. This amino acid position is highly conserved in available vertebrate species. In addition, this alteration is predicted to be deleterious by in silico analysis. In addition, the CoDP in silico tool predicts this alteration is likely to impair molecular function, with a score of 1.000 (Terui H et al. J. Biomed. Sci. 2013 Apr;20:25). Since supporting evidence is limited at this time, the clinical significance of this alteration remains unclear.

NM_000179.3(MSH6):c.1884G>T (p.Trp628Cys)

Gene: MSH6 (mutS homolog 6; plus strand). Cytogenetic location: 2p16.3.
Variant type: single nucleotide variant.
Coding change: c.1884G>T on transcript NM_000179.3 (MANE Select); coding-DNA position 1884, G replaced by T.
Protein change: p.Trp628Cys; replaces tryptophan 628 with cysteine.
Molecular consequence: missense variant.
Genome position (GRCh38, 1-based): chr2:47,799,867, G>T. VCF-style: chr2-47799867-G-T. GRCh37 (hg19) VCF-style: chr2-48027006-G-T.
Other names: c.1494G>T, p.Trp498Cys (NM_001281492.2); c.978G>T, p.Trp326Cys (NM_001281493.2, NM_001281494.2, NM_001406811.1 and 6 more transcripts); c.1980G>T, p.Trp660Cys (NM_001406795.1, NM_001406802.1); c.1884G>T, p.Trp628Cys (NM_001406796.1, NM_001406798.1, NM_001406800.1 and 3 more transcripts); c.1587G>T, p.Trp529Cys (NM_001406797.1, NM_001406801.1, NM_001406805.1 and 10 more transcripts); c.1359G>T, p.Trp453Cys (NM_001406799.1, NM_001406806.1, NM_001406807.1); c.1806G>T, p.Trp602Cys (NM_001406804.1); c.1890G>T, p.Trp630Cys (NM_001406813.1); and 1 more; short protein forms W326C, W453C, W529C, W630C, W660C, W572C, W602C, W628C.
Identifiers: ClinVar variation 1781956 (VCV001781956.2), dbSNP rs2104373757, ClinGen allele CA346749986.